The following is an entry in ClinVar:

ClinVar aggregate classification (germline): Conflicting classifications of pathogenicity. Review status: criteria provided, conflicting classifications (1 of 4 stars). 3 submissions from 3 submitters: Likely pathogenic (1); Uncertain significance (2). Last evaluated 2025-10-10.

Conditions:
Hereditary nonpolyposis colorectal neoplasms. Identifiers: MedGen C0009405, MeSH D003123.
Hereditary cancer-predisposing syndrome. Also called: Tumor predisposition; Hereditary neoplastic syndrome; Hereditary Cancer Syndrome; Neoplastic Syndromes, Hereditary. Identifiers: Orphanet 140162, MedGen C0027672, MeSH D009386, MONDO:0015356.

Allele frequency attached by ClinVar (database versions not stated): gnomAD exomes below 0.00001.
gnomAD v4.1: 1 of 1,614,186 alleles (0.000062%); highest among the groups gnomAD compares: Non-Finnish European, 0.000085%; no homozygotes.

Submissions (3):

Color Diagnostics, LLC DBA Color Health
Classification: Uncertain significance for Hereditary cancer-predisposing syndrome. Last evaluated: 2025-10-10. Review status: criteria provided, single submitter. Criteria: ACMG Guidelines, 2015. Collection method: clinical testing. Allele origin: germline.
Comment: This missense variant replaces glutamine with proline at codon 415 of the MSH6 protein. Computational prediction suggests that this variant may have deleterious impact on protein structure and function. To our knowledge, functional studies have not been reported for this variant. This variant has not been reported in individuals affected with MSH6-related disorders in the literature. A laboratory in ClinVar has reported this variant was observed in individual(s) with clinical features of Lynch Syndrome (ClinVar: SCV002668862.3). This variant has been identified in 1/1461880 chromosomes in the general population by the Genome Aggregation Database (gnomAD). The available evidence is insufficient to determine the role of this variant in disease conclusively. Therefore, this variant is classified as a Variant of Uncertain Significance.

Labcorp Genetics (formerly Invitae), Labcorp
Classification: Uncertain significance for Hereditary nonpolyposis colorectal neoplasms. Last evaluated: 2025-08-13. Review status: criteria provided, single submitter. Criteria: Invitae Variant Classification Sherloc (09022015). Collection method: clinical testing. Allele origin: germline.
Comment: This sequence change replaces glutamine, which is neutral and polar, with proline, which is neutral and non-polar, at codon 415 of the MSH6 protein (p.Gln415Pro). This variant is not present in population databases (gnomAD no frequency). This variant has not been reported in the literature in individuals affected with MSH6-related conditions. ClinVar contains an entry for this variant (Variation ID: 1171937). Invitae Evidence Modeling of protein sequence and biophysical properties (such as structural, functional, and spatial information, amino acid conservation, physicochemical variation, residue mobility, and thermodynamic stability) indicates that this missense variant is not expected to disrupt MSH6 protein function with a negative predictive value of 95%. In summary, the available evidence is currently insufficient to determine the role of this variant in disease. Therefore, it has been classified as a Variant of Uncertain Significance.

Ambry Genetics
Classification: Likely pathogenic for Hereditary cancer-predisposing syndrome. Last evaluated: 2025-05-23. Review status: criteria provided, single submitter. Criteria: Ambry Variant Classification Scheme 2023. Collection method: clinical testing. Allele origin: germline.
Comment: The p.Q415P variant (also known as c.1244A>C), located in coding exon 4 of the MSH6 gene, results from an A to C substitution at nucleotide position 1244. The glutamine at codon 415 is replaced by proline, an amino acid with similar properties. This variant has been identified in probands who met Amsterdam I/II criteria for Lynch syndrome and/or had tumors that demonstrated high microsatellite instability (MSI-H) or loss of MSH6 expression by immunohistochemistry (Ambry internal data; external communication). This amino acid position is well conserved in available vertebrate species. In addition, this alteration is predicted to be deleterious by in silico analysis. Based on the majority of available evidence to date, this variant is likely to be pathogenic.

NM_000179.3(MSH6):c.1244A>C (p.Gln415Pro)

Gene: MSH6 (mutS homolog 6; plus strand). Cytogenetic location: 2p16.3.
Variant type: single nucleotide variant.
Coding change: c.1244A>C on transcript NM_000179.3 (MANE Select); coding-DNA position 1244, A replaced by C.
Protein change: p.Gln415Pro; replaces glutamine 415 with proline.
Molecular consequence: missense variant.
Genome position (GRCh38, 1-based): chr2:47,799,227, A>C. VCF-style: chr2-47799227-A-C. GRCh37 (hg19) VCF-style: chr2-48026366-A-C.
Other names: c.854A>C, p.Gln285Pro (NM_001281492.2); c.338A>C, p.Gln113Pro (NM_001281493.2, NM_001281494.2); short protein forms Q113P, Q285P, Q415P.
Identifiers: ClinVar variation 1171937 (VCV001171937.7), dbSNP rs2104330661, ClinGen allele CA346743780.